The following is an entry in ClinVar:

NM_182972.3(IRF2BP2):c.989C>T (p.Ala330Val)

Genes: IRF2BP2 (interferon regulatory factor 2 binding protein 2; minus strand), LOC129932810 (ATAC-STARR-seq lymphoblastoid active region 2760; plus strand). Cytogenetic location: 1q42.3.
Variant type: single nucleotide variant.
Coding change: c.989C>T on transcript NM_182972.3 (MANE Select); coding-DNA position 989, C replaced by T.
Protein change: p.Ala330Val; replaces alanine 330 with valine.
Molecular consequence: missense variant.
Genome position (GRCh38, 1-based): chr1:234,608,506, G>A on the plus strand (C>T on the coding strand, the complement: IRF2BP2 is on the minus strand). VCF-style: chr1-234608506-G-A. GRCh37 (hg19) VCF-style: chr1-234744252-G-A.
Other names: c.989C>T, p.Ala330Val (NM_001077397.1); short protein forms A330V.
Identifiers: ClinVar variation 2073115 (VCV002073115.4), dbSNP rs952524471, ClinGen allele CA39545980.
Genomic context (GRCh38, chr1:234,608,506, plus strand): 5'-CCTGCTTTAGACCCGTTGGCCCCGTTGGCCTCGAAACCCAACAACCTGCCTGCAGTCAGG[G>A]CCGGCTCCTTCTTAAACTTGCTCTCGAAGGGCCCCGAGTGGCCGTGCTGGTGCAGCGCCA-3'
Protein context (NP_892017.2, residues 320-340): PFESKFKKEP[Ala330Val]LTAGRLLGFE

ClinVar aggregate classification (germline): Uncertain significance (1 of 4 stars; one submission).

Allele frequency attached by ClinVar (database versions not stated): gnomAD exomes 0.00001; TOPMed 0.00001; gnomAD 0.00001.
gnomAD v4.1: 15 of 1,609,448 alleles (0.00093%); highest among the groups gnomAD compares: African/African-American, 0.0027%; no homozygotes.

Submission:

Labcorp Genetics (formerly Invitae), Labcorp
Classification: Uncertain significance. Last evaluated: 2022-11-11. Review status: criteria provided, single submitter. Criteria: Invitae Variant Classification Sherloc (09022015). Collection method: clinical testing. Allele origin: germline.
Comment: This sequence change replaces alanine, which is neutral and non-polar, with valine, which is neutral and non-polar, at codon 330 of the IRF2BP2 protein (p.Ala330Val). The frequency data for this variant in the population databases is considered unreliable, as metrics indicate poor data quality at this position in the gnomAD database. This variant has not been reported in the literature in individuals affected with IRF2BP2-related conditions. Algorithms developed to predict the effect of missense changes on protein structure and function are either unavailable or do not agree on the potential impact of this missense change (SIFT: "Tolerated"; PolyPhen-2: "Probably Damaging"; Align-GVGD: "Class C0"). In summary, the available evidence is currently insufficient to determine the role of this variant in disease. Therefore, it has been classified as a Variant of Uncertain Significance.